The following is an entry in ClinVar:

NM_003482.4(KMT2D):c.15540G>A (p.Val5180=)

Gene: KMT2D (lysine methyltransferase 2D; minus strand). Cytogenetic location: 12q13.12.
Variant type: single nucleotide variant.
Coding change: c.15540G>A on transcript NM_003482.4 (MANE Select); coding-DNA position 15540, G replaced by A.
Protein change: p.Val5180=; no amino-acid change (valine 5180 retained).
Molecular consequence: synonymous variant.
Genome position (GRCh38, 1-based): chr12:49,026,426, C>T on the plus strand (G>A on the coding strand, the complement: KMT2D is on the minus strand). VCF-style: chr12-49026426-C-T. GRCh37 (hg19) VCF-style: chr12-49420209-C-T.
Identifiers: ClinVar variation 2635222 (VCV002635222.4), dbSNP rs149393179, ClinGen allele CA479706562.

ClinVar aggregate classification (germline): Conflicting classifications of pathogenicity. Review status: criteria provided, conflicting classifications (1 of 4 stars). 2 submissions from 2 submitters: Uncertain significance (1); Likely benign (1). Last evaluated 2025-09-08.

Conditions:
KMT2D-related disorder. Also called: KMT2D-Related Disorders.
Kabuki syndrome. Also called: Kabuki make-up syndrome; NIIKAWA-KUROKI SYNDROME. Identifiers: Orphanet 2322, MedGen C0796004, MONDO:0016512.

Submissions (2):

Labcorp Genetics (formerly Invitae), Labcorp
Classification: Likely benign for Kabuki syndrome. Last evaluated: 2025-09-08. Review status: criteria provided, single submitter. Criteria: Invitae Variant Classification Sherloc (09022015). Collection method: clinical testing. Allele origin: germline.

PreventionGenetics, part of Exact Sciences
Classification: Uncertain significance for KMT2D-related condition. Last evaluated: 2022-11-19. Review status: criteria provided, single submitter. Criteria: ACMG Guidelines, 2015. Collection method: clinical testing. Allele origin: germline.
Comment: The KMT2D c.15540G>A variant is not predicted to result in an amino acid change (p.=). This variant is predicted to create a cryptic splice site based on available splicing prediction programs (Alamut Visual Plus v1.6.1). However, such computer prediction programs are imperfect. To our knowledge, this variant has not been reported in the literature or in a large population database, indicating this variant is rare. At this time, the clinical significance of this variant is uncertain due to the absence of conclusive functional and genetic evidence.